The following is an entry in ClinVar:

ClinVar aggregate classification (germline): Uncertain significance (1 of 4 stars; one submission).

gnomAD v4.1: 2 of 1,613,988 alleles (0.00012%); highest among the groups gnomAD compares: Non-Finnish European, 0.00017%; no homozygotes.

Submission:

Women's Health and Genetics/Laboratory Corporation of America, LabCorp
Classification: Uncertain significance. Last evaluated: 2025-09-05. Review status: criteria provided, single submitter. Criteria: LabCorp Variant Classification Summary - May 2015. Collection method: clinical testing. Allele origin: germline.
Comment: Variant summary: COL7A1 c.4047G>T (p.Pro1349Pro) alters a conserved nucleotide located close to a canonical splice site and therefore could affect mRNA splicing, leading to a significantly altered protein sequence. Several computational tools predict a significant impact on normal splicing: Two predict the variant abolishes a 5' splicing donor site. Two predict the variant weakens a 5' donor site. One predicts the variant strengthens a cryptic 5' donor site. However, these predictions have yet to be confirmed by functional studies. The variant was absent in 251020 control chromosomes. The available data on variant occurrences in the general population are insufficient to allow any conclusion about variant significance. To our knowledge, no occurrence of c.4047G>T in individuals affected with COL7A1-related conditions and no experimental evidence demonstrating its impact on protein function have been reported. No submitters have cited clinical-significance assessments for this variant to ClinVar. Based on the evidence outlined above, the variant was classified as uncertain significance.

NM_000094.4(COL7A1):c.4047G>T (p.Pro1349=)

Gene: COL7A1 (collagen type VII alpha 1 chain; minus strand). Cytogenetic location: 3p21.31.
Variant type: single nucleotide variant.
Coding change: c.4047G>T on transcript NM_000094.4 (MANE Select); coding-DNA position 4047, G replaced by T.
Protein change: p.Pro1349=; no amino-acid change (proline 1349 retained).
Molecular consequence: synonymous variant.
Genome position (GRCh38, 1-based): chr3:48,584,734, C>A on the plus strand (G>T on the coding strand, the complement: COL7A1 is on the minus strand). VCF-style: chr3-48584734-C-A. GRCh37 (hg19) VCF-style: chr3-48622167-C-A.
Identifiers: ClinVar variation 4535720 (VCV004535720.1).
Genomic context (GRCh38, chr3:48,584,734, plus strand): 5'-GTGGGGCAGTCCTGCTCCTCCCTGGGACATCCCGGCCGCCTCCCTTCCCCCTTCACCTAC[C>A]GGCTCCCCCTTTGGGCCTCGAGGTCCTCGCTCTCCCTGAGGACGAAACAGAGCAGAGGGT-3'
Protein context (NP_000085.1, residues 1339-1359): ERGPRGPKGE[Pro1349=]GAPGQVIGGE